The following is an entry in ClinVar:

ClinVar aggregate classification (germline): Conflicting classifications of pathogenicity. Review status: criteria provided, conflicting classifications (1 of 4 stars). 4 submissions from 4 submitters: Uncertain significance (1); Likely benign (3). Last evaluated 2026-01-20.

Conditions:
Familial thoracic aortic aneurysm and aortic dissection (TAAD). Also called: Thoracic aortic aneurysms and dissections. Identifiers: Orphanet 91387, MedGen C4707243, MONDO:0019625.
Marfan syndrome (MFS). Also called: Marfan syndrome, classic; Marfan syndrome type 1; Marfan's syndrome; MARFAN SYNDROME, TYPE I; FBN1-Related Marfan Syndrome. Identifiers: Orphanet 284963, Orphanet 558, MedGen C0024796, MONDO:0007947, OMIM 154700.

Allele frequency attached by ClinVar (database versions not stated): gnomAD exomes 0.00001; ExAC 0.00001; TOPMed 0.00004; gnomAD 0.00002; ESP Exome Variant Server 0.00008.
gnomAD v4.1: 11 of 1,613,648 alleles (0.00068%); highest among the groups gnomAD compares: African/African-American, 0.004%; no homozygotes.

Submissions (4):

Labcorp Genetics (formerly Invitae), Labcorp
Classification: Likely benign for Marfan syndrome; Familial thoracic aortic aneurysm and aortic dissection. Last evaluated: 2026-01-20. Review status: criteria provided, single submitter. Criteria: Invitae Variant Classification Sherloc (09022015). Collection method: clinical testing. Allele origin: germline.

Women's Health and Genetics/Laboratory Corporation of America, LabCorp
Classification: Uncertain significance. Last evaluated: 2024-06-10. Review status: criteria provided, single submitter. Criteria: LabCorp Variant Classification Summary - May 2015. Collection method: clinical testing. Allele origin: germline.
Comment: Variant summary: FBN1 c.7701C>T (p.Asp2567Asp) alters a non-conserved nucleotide located close to a canonical splice site and therefore could affect mRNA splicing, leading to a significantly altered protein sequence. Consensus agreement among computation tools predict no significant impact on normal splicing. However, these predictions have yet to be confirmed by functional studies. The variant allele was found at a frequency of 8e-06 in 250414 control chromosomes. The available data on variant occurrences in the general population are insufficient to allow any conclusion about variant significance. To our knowledge, no occurrence of c.7701C>T in individuals affected with Marfan Syndrome and no experimental evidence demonstrating its impact on protein function have been reported. ClinVar contains an entry for this variant (Variation ID: 413885). Based on the evidence outlined above, the variant was classified as uncertain significance.

Ambry Genetics
Classification: Likely benign for Familial thoracic aortic aneurysm and aortic dissection. Last evaluated: 2023-10-06. Review status: criteria provided, single submitter. Criteria: Ambry Variant Classification Scheme 2023. Collection method: clinical testing. Allele origin: germline.

Color Diagnostics, LLC DBA Color Health
Classification: Likely benign for Familial thoracic aortic aneurysm and aortic dissection. Last evaluated: 2022-09-13. Review status: criteria provided, single submitter. Criteria: ACMG Guidelines, 2015. Collection method: clinical testing. Allele origin: germline.

NM_000138.5(FBN1):c.7701C>T (p.Asp2567=)

Gene: FBN1 (fibrillin 1; minus strand). Cytogenetic location: 15q21.1.
Variant type: single nucleotide variant.
Coding change: c.7701C>T on transcript NM_000138.5 (MANE Select); coding-DNA position 7701, C replaced by T.
Protein change: p.Asp2567=; no amino-acid change (aspartic acid 2567 retained).
Molecular consequence: synonymous variant.
Genome position (GRCh38, 1-based): chr15:48,420,805, G>A on the plus strand (C>T on the coding strand, the complement: FBN1 is on the minus strand). VCF-style: chr15-48420805-G-A. GRCh37 (hg19) VCF-style: chr15-48713002-G-A.
Identifiers: ClinVar variation 413885 (VCV000413885.14), dbSNP rs368054842, ClinGen allele CA059093.